The following is an entry in ClinVar:

Conditions:
Breast-ovarian cancer, familial, susceptibility to, 1 (BROVCA1). Also called: BRCA1 Hereditary Breast and Ovarian Cancer; OVARIAN CANCER, SUSCEPTIBILITY TO. Identifiers: Orphanet 145, MedGen C2676676, MONDO:0011450, OMIM 604370. Disease mechanism: loss of function.

Submission:

Brotman Baty Institute, University of Washington
No classification provided (evidence only). Condition: Breast-ovarian cancer, familial 1. Review status: no classification provided. Collection method: in vitro. Allele origin: not applicable. Functional consequence: functionally_normal.
ClinVar note: "not provided" was previously submitted as the classification for the variant. However, the classification appeared to be based only on an observation of functional data so it was converted to no classification on 2025-07-30.

NM_007294.4(BRCA1):c.4987-8A>C

Gene: BRCA1 (BRCA1 DNA repair associated; minus strand). Cytogenetic location: 17q21.31.
Variant type: single nucleotide variant.
Coding change: c.4987-8A>C on transcript NM_007294.4 (MANE Select); 8 bases into the intron before coding-DNA position 4987, A replaced by C.
Molecular consequence: intron variant.
Genome position (GRCh38, 1-based): chr17:43,067,703, T>G on the plus strand (A>C on the coding strand, the complement: BRCA1 is on the minus strand). VCF-style: chr17-43067703-T-G. GRCh37 (hg19) VCF-style: chr17-41219720-T-G.
Other names: c.1534-8A>C (NM_001408458.1, NM_001408461.1, NM_001408464.1 and 7 more transcripts); c.4096-8A>C (NM_001407967.1); c.4606-8A>C (NM_001407959.1); c.4720-8A>C (NM_001407931.1, NM_001407932.1, NM_001407928.1 and 4 more transcripts); c.4843-8A>C (NM_001407747.1, NM_001407745.1, NM_001407737.1 and 21 more transcripts); c.4603-8A>C (NM_001407962.1, NM_001407960.1); c.1174-8A>C (NM_001408512.1); c.1297-8A>C (NM_001408510.1); and 71 more.
Identifiers: ClinVar variation 868093 (VCV000868093.3), dbSNP rs1597826282, ClinGen allele CA916080175.